The following is an entry in ClinVar:

NM_001267550.2(TTN):c.1863A>C (p.Lys621Asn)

Gene: TTN (titin; minus strand). Cytogenetic location: 2q31.2.
Variant type: single nucleotide variant.
Coding change: c.1863A>C on transcript NM_001267550.2 (MANE Select); coding-DNA position 1863, A replaced by C.
Protein change: p.Lys621Asn; replaces lysine 621 with asparagine.
Molecular consequence: missense variant.
Genome position (GRCh38, 1-based): chr2:178,790,053, T>G on the plus strand (A>C on the coding strand, the complement: TTN is on the minus strand). VCF-style: chr2-178790053-T-G. GRCh37 (hg19) VCF-style: chr2-179654780-T-G.
Other names: c.1863A>C, p.Lys621Asn (NM_001256850.1, NM_133378.4, NM_133379.5); c.1725A>C, p.Lys575Asn (NM_003319.4, NM_133432.3, NM_133437.4); short protein forms K575N, K621N.
Identifiers: ClinVar variation 2584589 (VCV002584589.2), dbSNP rs2093407447, ClinGen allele CA349506971.

ClinVar aggregate classification (germline): Uncertain significance. Review status: criteria provided, multiple submitters, no conflicts (2 of 4 stars). 2 submissions from 2 submitters: Uncertain significance (2). Last evaluated 2026-03-03.

Conditions:
Hypertrophic cardiomyopathy 9. Also called: Familial hypertrophic cardiomyopathy 9. Identifiers: MedGen C1861065, MONDO:0013412, OMIM 613765.
Dilated cardiomyopathy 1G (CMD1G). Identifiers: Orphanet 154, MedGen C1858763, MONDO:0011400, OMIM 604145.

Allele frequency attached by ClinVar (database versions not stated): TOPMed 0.00001; gnomAD 0.00001.
gnomAD v4.1: 2 of 1,613,194 alleles (0.00012%); highest among the groups gnomAD compares: Admixed American, 0.0033%; no homozygotes.

Submissions (2):

GeneDx
Classification: Uncertain significance. Last evaluated: 2026-03-03. Review status: criteria provided, single submitter. Criteria: GeneDx Variant Classification Process June 2021. Collection method: clinical testing. Allele origin: germline.
Comment: Not observed at significant frequency in large population cohorts (gnomAD); Missense variant in a gene in which most reported pathogenic variants are truncating/loss of function; Has not been previously published as pathogenic or benign to our knowledge

New York Genome Center
Classification: Uncertain significance for Dilated cardiomyopathy 1G; Hypertrophic cardiomyopathy 9. Last evaluated: 2023-02-17. Review status: criteria provided, single submitter. Criteria: NYGC Assertion Criteria 2020. Collection method: clinical testing. Allele origin: germline. Observed: 1 heterozygote.